The following is an entry in ClinVar:

ClinVar aggregate classification (germline): Conflicting classifications of pathogenicity. Review status: criteria provided, conflicting classifications (1 of 4 stars). 5 submissions from 5 submitters: Uncertain significance (3); Likely benign (2). Last evaluated 2024-03-06.

Conditions:
Cardiovascular phenotype. Identifiers: MedGen CN230736.
Arrhythmogenic right ventricular cardiomyopathy (ARVD). Also called: Arrhythmogenic cardiomyopathy; Arrhythmogenic Right Ventricular Cardiomyopathy (ARVC); Cardiomyopathy, ARVC; Arrhythmogenic right ventricular dysplasia. Identifiers: Orphanet 247, MedGen C0349788, MeSH D019571, MONDO:0016587. Disease mechanism: loss of function. Inheritance: Various modes of inheritance.
Cardiomyopathy (CMYO). Also called: Cardiomyopathies. Identifiers: Orphanet 167848, MedGen C0878544, MONDO:0004994, HP:0001638. Inheritance: Various modes of inheritance.
Arrhythmogenic right ventricular dysplasia 10. Also called: Arrhythmogenic right ventricular dysplasia/cardiomyopathy, type 10; Arrhythmogenic Right Ventricular Dysplasia/Cardiomyopathy10; ARRHYTHMOGENIC RIGHT VENTRICULAR DYSPLASIA, FAMILIAL, 10. Identifiers: MedGen C1857777, MONDO:0012434, OMIM 610193.

Allele frequency attached by ClinVar (database versions not stated): gnomAD 0.00001; TOPMed 0.00002.
gnomAD v4.1: 24 of 1,613,922 alleles (0.0015%); highest among the groups gnomAD compares: East Asian, 0.0022%; no homozygotes.

Submissions (5):

Color Diagnostics, LLC DBA Color Health
Classification: Uncertain significance for Cardiomyopathy. Last evaluated: 2024-03-06. Review status: criteria provided, single submitter. Criteria: ACMG Guidelines, 2015. Collection method: clinical testing. Allele origin: germline.
Comment: This missense variant replaces arginine with histidine at codon 261 of the DSG2 protein. Computational prediction suggests that this variant may not impact protein structure and function (internally defined REVEL score threshold <= 0.5, PMID: 27666373). To our knowledge, functional studies have not been reported for this variant. This variant has not been reported in individuals affected with cardiovascular disorders in the literature. This variant has been identified in 2/248768 chromosomes in the general population by the Genome Aggregation Database (gnomAD). The available evidence is insufficient to determine the role of this variant in disease conclusively. Therefore, this variant is classified as a Variant of Uncertain Significance.

Ambry Genetics
Classification: Likely benign for Cardiovascular phenotype. Last evaluated: 2023-11-22. Review status: criteria provided, single submitter. Criteria: Ambry Variant Classification Scheme 2023. Collection method: clinical testing. Allele origin: germline.

All of Us Research Program, National Institutes of Health
Classification: Uncertain significance for Arrhythmogenic right ventricular cardiomyopathy. Last evaluated: 2023-06-15. Review status: criteria provided, single submitter. Criteria: ACMG Guidelines, 2015. Collection method: clinical testing. Allele origin: germline. Inheritance: Autosomal dominant inheritance. Observed: 1 variant allele, 1 heterozygote.
Comment: This missense variant replaces arginine with histidine at codon 261 of the DSG2 protein. Computational prediction suggests that this variant may not impact protein structure and function (internally defined REVEL score threshold <= 0.5, PMID: 27666373). To our knowledge, functional studies have not been reported for this variant. This variant has not been reported in individuals affected with cardiovascular disorders in the literature. This variant has been identified in 2/248768 chromosomes in the general population by the Genome Aggregation Database (gnomAD). The available evidence is insufficient to determine the role of this variant in disease conclusively. Therefore, this variant is classified as a Variant of Uncertain Significance.

This study involves interpretation of variants in research participants for the purpose of population health screening. Participant phenotype was not available at the time of variant classification. Additional details can be found in publication PMID: 35346344, PMCID: PMC8962531

Labcorp Genetics (formerly Invitae), Labcorp
Classification: Uncertain significance for Arrhythmogenic right ventricular dysplasia 10. Last evaluated: 2022-09-28. Review status: criteria provided, single submitter. Criteria: Invitae Variant Classification Sherloc (09022015). Collection method: clinical testing. Allele origin: germline.
Comment: This sequence change replaces arginine, which is basic and polar, with histidine, which is basic and polar, at codon 261 of the DSG2 protein (p.Arg261His). This variant is present in population databases (rs727502984, gnomAD 0.004%). This variant has not been reported in the literature in individuals affected with DSG2-related conditions. ClinVar contains an entry for this variant (Variation ID: 163202). Advanced modeling of protein sequence and biophysical properties (such as structural, functional, and spatial information, amino acid conservation, physicochemical variation, residue mobility, and thermodynamic stability) performed at Invitae indicates that this missense variant is not expected to disrupt DSG2 protein function. In summary, the available evidence is currently insufficient to determine the role of this variant in disease. Therefore, it has been classified as a Variant of Uncertain Significance.

Laboratory for Molecular Medicine, Mass General Brigham Personalized Medicine
Classification: Likely benign. Last evaluated: 2014-08-07. Review status: criteria provided, single submitter. Criteria: LMM Criteria. Collection method: clinical testing. Allele origin: germline. Observed: 1 variant allele.
Comment: Arg261His in exon 7 of DSG2: This variant is not expected to have clinical signi ficance due to a lack of conservation across species, including mammals. Of note , 6 mammals (dolphin, killer whale, white rhinoceros, shrew, aardvark, and armad illo) have a histidine (His) at this position despite high nearby amino acid con servation. Additional computational prediction tools do not suggest a high likel ihood of impact to the protein.

NM_001943.5(DSG2):c.782G>A (p.Arg261His)

Gene: DSG2 (desmoglein 2; plus strand). Cytogenetic location: 18q12.1.
Variant type: single nucleotide variant.
Coding change: c.782G>A on transcript NM_001943.5 (MANE Select); coding-DNA position 782, G replaced by A.
Protein change: p.Arg261His; replaces arginine 261 with histidine.
Molecular consequence: missense variant.
Genome position (GRCh38, 1-based): chr18:31,524,539, G>A. VCF-style: chr18-31524539-G-A. GRCh37 (hg19) VCF-style: chr18-29104502-G-A.
Other names: short protein forms R261H.
Identifiers: ClinVar variation 163202 (VCV000163202.13), dbSNP rs727502984, ClinGen allele CA022257.